The following is an entry in ClinVar:

ClinVar aggregate classification (germline): Pathogenic. Review status: reviewed by expert panel (3 of 4 stars). 19 submissions from 19 submitters: Pathogenic (1). 18 of the submissions do not count toward it. Last evaluated 2013-09-05.

Conditions:
MSH6-related disorder. Also called: MSH6-related condition; MSH6-Related disorders.
Hereditary nonpolyposis colorectal neoplasms. Identifiers: MedGen C0009405, MeSH D003123.
Inherited MMR deficiency (Lynch syndrome).
Hereditary nonpolyposis colon cancer (HNPCC). Also called: Hereditary nonpolyposis colorectal cancer; Familial nonpolyposis colon cancer; Hereditary Nonpolyposis Colorectal Cancer Syndrome. Identifiers: Orphanet 443909, MedGen C1333990, MONDO:0018630. Disease mechanism: loss of function.
Hereditary cancer-predisposing syndrome. Also called: Neoplastic Syndromes, Hereditary; Tumor predisposition; Hereditary Cancer Syndrome; Hereditary neoplastic syndrome. Identifiers: Orphanet 140162, MedGen C0027672, MeSH D009386, MONDO:0015356.
Lynch syndrome. Identifiers: Orphanet 144, MedGen C4552100, MONDO:0005835. Disease mechanism: loss of function.
Endometrial carcinoma. Also called: Endometrial carcinoma, somatic. Identifiers: MedGen C0476089, MONDO:0002447, OMIM 608089, HP:0012114.
Lynch syndrome 5 (LYNCH5). Also called: Colorectal cancer, hereditary nonpolyposis, type 5; Hereditary non-polyposis colorectal cancer, type 5. Identifiers: Orphanet 144, MedGen C1833477, MONDO:0013710, OMIM 614350. Disease mechanism: loss of function.

Allele frequency attached by ClinVar (database versions not stated): gnomAD 0.00001; TOPMed 0.00001.
gnomAD v4.1: 8 of 1,614,012 alleles (0.0005%); highest among the groups gnomAD compares: Non-Finnish European, 0.00068%; no homozygotes.

Submissions 1 to 12 of 19:

International Society for Gastrointestinal Hereditary Tumours (InSiGHT)
Classification: Pathogenic for Lynch Syndrome. Last evaluated: 2013-09-05. Review status: reviewed by expert panel. Criteria: Guidelines v1.9. Collection method: research. Allele origin: germline.
Comment: Coding sequence variation resulting in a stop codon

Classified with v1.9 guidelines

NHS Central & South Genomic Laboratory Hub
Classification: Pathogenic for Inherited MMR deficiency (Lynch syndrome). Last evaluated: 2026-10-06. Review status: criteria provided, single submitter. Criteria: ACMG Guidelines, 2015. Collection method: clinical testing. Allele origin: germline. Affected: yes. Not counted in ClinVar's aggregate classification.

Labcorp Genetics (formerly Invitae), Labcorp
Classification: Pathogenic for Hereditary nonpolyposis colorectal neoplasms. Last evaluated: 2026-01-11. Review status: criteria provided, single submitter. Criteria: Invitae Variant Classification Sherloc (09022015). Collection method: clinical testing. Allele origin: germline. Not counted in ClinVar's aggregate classification.
Comment: This sequence change creates a premature translational stop signal (p.Arg732*) in the MSH6 gene. It is expected to result in an absent or disrupted protein product. Loss-of-function variants in MSH6 are known to be pathogenic (PMID: 18269114, 24362816). This variant is present in population databases (rs63751127, gnomAD 0.0009%). This premature translational stop signal has been observed in individual(s) with ovarian cancer and Lynch syndrome (PMID: 15483016, 18301448, 20028993, 24728189). Invitae Evidence Modeling of clinical and family history, age, sex, and reported ancestry of multiple individuals with this MSH6 variant has been performed. This variant is expected to be pathogenic with a positive predictive value of at least 99%. This is a validated machine learning model that incorporates the clinical features of 1,627,235 individuals referred to our laboratory for MSH6 testing. ClinVar contains an entry for this variant (Variation ID: 89262). For these reasons, this variant has been classified as Pathogenic.

Color Diagnostics, LLC DBA Color Health
Classification: Pathogenic for Hereditary cancer-predisposing syndrome. Last evaluated: 2025-08-19. Review status: criteria provided, single submitter. Criteria: ACMG Guidelines, 2015. Collection method: clinical testing. Allele origin: germline. Not counted in ClinVar's aggregate classification.
Comment: This variant changes 1 nucleotide in exon 4 of the MSH6 gene, creating a premature translation stop signal. This variant is expected to result in an absent or non-functional protein product. This variant has been reported in individuals affected with Lynch syndrome (PMID: 15483016, 18301448, 20028993, 27601186, 28874130) and breast cancer (PMID: 33471991). This variant has been identified in 1/250888 chromosomes in the general population by the Genome Aggregation Database (gnomAD). Loss of MSH6 function is a known mechanism of disease. Based on the available evidence, this variant is classified as Pathogenic.

Center for Genomic Medicine, Rigshospitalet, Copenhagen University Hospital
Classification: Pathogenic. Last evaluated: 2025-03-04. Review status: criteria provided, single submitter. Criteria: ACMG Guidelines, 2015. Collection method: clinical testing. Allele origin: germline. Not counted in ClinVar's aggregate classification.

Department of Clinical Genetics, Copenhagen University Hospital, Rigshospitalet
Classification: Pathogenic for Lynch syndrome. Last evaluated: 2025-02-04. Review status: criteria provided, single submitter. Criteria: ACMG Guidelines, 2015. Collection method: clinical testing. Allele origin: germline. Not counted in ClinVar's aggregate classification.
Comment: PVS1; PM2_SUP; PP4_MOD

Revvity Omics, Revvity
Classification: Pathogenic. Last evaluated: 2025-01-07. Review status: criteria provided, single submitter. Criteria: ACMG Guidelines, 2015. Collection method: clinical testing. Allele origin: germline. Not counted in ClinVar's aggregate classification.

Ambry Genetics
Classification: Pathogenic for Hereditary cancer-predisposing syndrome. Last evaluated: 2024-12-02. Review status: criteria provided, single submitter. Criteria: Ambry Variant Classification Scheme 2023. Collection method: clinical testing. Allele origin: germline. Not counted in ClinVar's aggregate classification.
Comment: The p.R732* pathogenic mutation (also known as c.2194C>T), located in coding exon 4 of the MSH6 gene, results from a C to T substitution at nucleotide position 2194. This changes the amino acid from an arginine to a stop codon within coding exon 4. This alteration has been reported in multiple individuals satisfying HNPCC/Lynch syndrome clinical criteria with tumors showing microsatellite instability and absence of MSH6 staining on IHC (Plaschke J et al. J. Clin Oncol. 2004;22:4486-4494; Steinke V et al. Eur J Hum Genet. 2008 May;16(5):587-92). This alteration has also been reported in individuals diagnosed with breast, ovarian, pancreatic, prostate and uterine cancers (Song H et al. Hum Mol Genet, 2014 Sep;23:4703-9; Maxwell KN et al. Am. J. Hum. Genet. 2016 May;98:801-817; Susswein LR et al. Genet. Med. 2016 Aug;18:823-32; Roberts ME et al. Genet Med, 2018 10;20:1167-1174; Dondi G et al. Int J Mol Sci, 2020 Sep;21:; Mannucci A et al. Eur J Gastroenterol Hepatol, 2020 03;32:345-349; Wu Y et al. Eur Urol Oncol, 2020 04;3:224-230). In addition to the clinical data presented in the literature, this alteration is expected to result in loss of function by premature protein truncation or nonsense-mediated mRNA decay. As such, this alteration is interpreted as a disease-causing mutation.

Baylor Genetics
Classification: Pathogenic for Endometrial carcinoma. Last evaluated: 2024-03-09. Review status: criteria provided, single submitter. Criteria: ACMG Guidelines, 2015. Collection method: clinical testing. Allele origin: unknown. Not counted in ClinVar's aggregate classification.

Laboratory for Molecular Medicine, Mass General Brigham Personalized Medicine
Classification: Pathogenic for Lynch syndrome. Last evaluated: 2023-09-13. Review status: criteria provided, single submitter. Criteria: ACMG Guidelines, 2015. Collection method: clinical testing. Allele origin: germline. Inheritance: Autosomal dominant inheritance. Not counted in ClinVar's aggregate classification.
Comment: The p.Arg732X variant in MSH6 has been reported in at least 5 individuals with hereditary non-polyposis colorectal cancer (HNPCC) and related tumors (Plaschke 2004 PMID: 15483016, Steinke 2008 PMID: 18301448, Baglietto 2010 PMID: 20028993, Giraldez 2010 PMID: 20924129, Song 2014 PMID: 24728189). This variant has also been identified in 0.001% (1/68036) of European chromosomes by gnomAD (v.3.1.2). This nonsense variant leads to a premature termination codon at position 732, which is predicted to lead to a truncated or absent protein. Heterozygous loss of function of the MSH6 gene is an established disease mechanism for Lynch syndrome. Moreover, this variant was classified as pathogenic on Sept. 05, 2013 by the ClinGen approved InSiGHT expert panel (Variation ID: 89262). In summary, this variant meets criteria to be classified as pathogenic for autosomal dominant Lynch syndrome. ACMG/AMP Criteria applied: PM2_Supporting, PVS1, PS4_Moderate.

Myriad Genetics, Inc.
Classification: Pathogenic for Lynch syndrome 5. Last evaluated: 2023-08-16. Review status: criteria provided, single submitter. Criteria: Myriad Autosomal Dominant, Autosomal Recessive and X-Linked Classification Criteria (2023). Collection method: clinical testing. Allele origin: unknown. Not counted in ClinVar's aggregate classification.
Comment: This variant is considered pathogenic. This variant creates a termination codon and is predicted to result in premature protein truncation.

Clinical Genetics Laboratory, Skane University Hospital Lund
Classification: Pathogenic. Last evaluated: 2023-04-27. Review status: criteria provided, single submitter. Criteria: ACMG Guidelines, 2015. Collection method: clinical testing. Allele origin: germline. Affected: yes. Not counted in ClinVar's aggregate classification.

NM_000179.3(MSH6):c.2194C>T (p.Arg732Ter)

Gene: MSH6 (mutS homolog 6; plus strand). Cytogenetic location: 2p16.3.
Variant type: single nucleotide variant.
Coding change: c.2194C>T on transcript NM_000179.3 (MANE Select); coding-DNA position 2194, C replaced by T.
Protein change: p.Arg732Ter; replaces arginine 732 with a stop codon.
Molecular consequence: nonsense.
Genome position (GRCh38, 1-based): chr2:47,800,177, C>T. VCF-style: chr2-47800177-C-T. GRCh37 (hg19) VCF-style: chr2-48027316-C-T.
Other names: p.R732*:CGA>TGA; c.1804C>T, p.Arg602Ter (NM_001281492.2); c.1288C>T, p.Arg430Ter (NM_001281493.2, NM_001281494.2); short protein forms R732*, R430*, R602*.
Identifiers: ClinVar variation 89262 (VCV000089262.55), dbSNP rs63751127, ClinGen allele CA009856.
Genomic context (GRCh38, chr2:47,800,177, plus strand): 5'-TTGGATTCTGACACAGTCAGCACTACAAGATCTGGTGCTATCTTCACCAAAGCCTATCAA[C>T]GAATGGTGCTAGATGCAGTGACATTAAACAACTTGGAGATTTTTCTGAATGGAACAAATG-3'